The following is an entry in ClinVar:

NM_001330078.2(NRXN1):c.2844T>A (p.Asp948Glu)

Gene: NRXN1 (neurexin 1; minus strand). Cytogenetic location: 2p16.3.
Variant type: single nucleotide variant.
Coding change: c.2844T>A on transcript NM_001330078.2 (MANE Select); coding-DNA position 2844, T replaced by A.
Protein change: p.Asp948Glu; replaces aspartic acid 948 with glutamic acid.
Molecular consequence: missense variant.
Genome position (GRCh38, 1-based): chr2:50,497,368, A>T on the plus strand (T>A on the coding strand, the complement: NRXN1 is on the minus strand). VCF-style: chr2-50497368-A-T. GRCh37 (hg19) VCF-style: chr2-50724506-A-T.
Other names: c.2964T>A, p.Asp988Glu (NM_001135659.3); c.2820T>A, p.Asp940Glu (NM_001330077.2, NM_001330082.2); c.2778T>A, p.Asp926Glu (NM_001330083.2, NM_001330084.2); c.2817T>A, p.Asp939Glu (NM_001330085.2); c.2844T>A, p.Asp948Glu (NM_001330086.2, NM_004801.6); c.2733T>A, p.Asp911Glu (NM_001330087.2, NM_001330096.2); c.2763T>A, p.Asp921Glu (NM_001330088.2); c.2841T>A, p.Asp947Glu (NM_001330093.2); and 2 more; short protein forms D931E, D926E, D944E, D988E, D939E, D947E, D948E, D911E.
Identifiers: ClinVar variation 852274 (VCV000852274.9), dbSNP rs1406519055, ClinGen allele CA346776755.

ClinVar aggregate classification (germline): Uncertain significance (1 of 4 stars; one submission).

Conditions:
Pitt-Hopkins-like syndrome 2 (PTHSL2). Identifiers: Orphanet 221150, Orphanet 600663, MedGen C3280479, MONDO:0013690, OMIM 614325.

Submission:

Labcorp Genetics (formerly Invitae), Labcorp
Classification: Uncertain significance for Pitt-Hopkins-like syndrome 2. Last evaluated: 2019-03-28. Review status: criteria provided, single submitter. Criteria: Invitae Variant Classification Sherloc (09022015). Collection method: clinical testing. Allele origin: germline.
Comment: In summary, the available evidence is currently insufficient to determine the role of this variant in disease. Therefore, it has been classified as a Variant of Uncertain Significance. This sequence change replaces aspartic acid with glutamic acid at codon 988 of the NRXN1 protein (p.Asp988Glu). The aspartic acid residue is highly conserved and there is a small physicochemical difference between aspartic acid and glutamic acid. This variant is not present in population databases (ExAC no frequency). This variant has not been reported in the literature in individuals with NRXN1-related conditions. Algorithms developed to predict the effect of missense changes on protein structure and function are either unavailable or do not agree on the potential impact of this missense change (SIFT: "Tolerated"; PolyPhen-2: "Possibly Damaging"; Align-GVGD: "Class C0").